The following is an entry in ClinVar:

NM_001001557.4(GDF6):c.530G>C (p.Trp177Ser)

Gene: GDF6 (growth differentiation factor 6; minus strand). Cytogenetic location: 8q22.1.
Variant type: single nucleotide variant.
Coding change: c.530G>C on transcript NM_001001557.4 (MANE Select); coding-DNA position 530, G replaced by C.
Protein change: p.Trp177Ser; replaces tryptophan 177 with serine.
Molecular consequence: missense variant.
Genome position (GRCh38, 1-based): chr8:96,145,401, C>G on the plus strand (G>C on the coding strand, the complement: GDF6 is on the minus strand). VCF-style: chr8-96145401-C-G. GRCh37 (hg19) VCF-style: chr8-97157629-C-G.
Other names: short protein forms W177S.
Identifiers: ClinVar variation 4782894 (VCV004782894.1).

ClinVar aggregate classification (germline): Uncertain significance (1 of 4 stars; one submission).

Conditions:
Klippel-Feil syndrome 1, autosomal dominant (KFS1). Also called: CERVICAL VERTEBRAL FUSION, AUTOSOMAL DOMINANT. Identifiers: Orphanet 2345, MedGen C1861689, MONDO:0007306, OMIM 118100.
Isolated microphthalmia 4. Identifiers: Orphanet 2542, MedGen C2751307, MONDO:0013130, OMIM 613094.
Microphthalmia, isolated, with coloboma 6 (MCOPCB6). Also called: Microphthalmia with coloboma 6, digenic; Microphthalmia with coloboma 6; MICROPHTHALMIA/COLOBOMA 6. Identifiers: Orphanet 98938, MedGen C3150968, MONDO:0013376, OMIM 613703.
Leber congenital amaurosis 17 (LCA17). Identifiers: Orphanet 65, MedGen C3715164, MONDO:0014145, OMIM 615360.

Submission:

Labcorp Genetics (formerly Invitae), Labcorp
Classification: Uncertain significance for Isolated microphthalmia 4; Leber congenital amaurosis 17; Klippel-Feil syndrome 1, autosomal dominant; Microphthalmia, isolated, with coloboma 6. Last evaluated: 2025-03-22. Review status: criteria provided, single submitter. Criteria: Invitae Variant Classification Sherloc (09022015). Collection method: clinical testing. Allele origin: germline.
Comment: This sequence change replaces tryptophan, which is neutral and slightly polar, with serine, which is neutral and polar, at codon 177 of the GDF6 protein (p.Trp177Ser). This variant is not present in population databases (gnomAD no frequency). This variant has not been reported in the literature in individuals affected with GDF6-related conditions. Invitae Evidence Modeling of protein sequence and biophysical properties (such as structural, functional, and spatial information, amino acid conservation, physicochemical variation, residue mobility, and thermodynamic stability) indicates that this missense variant is not expected to disrupt GDF6 protein function with a negative predictive value of 80%. In summary, the available evidence is currently insufficient to determine the role of this variant in disease. Therefore, it has been classified as a Variant of Uncertain Significance.